The following is an entry in ClinVar:

NM_000341.4(SLC3A1):c.1336G>A (p.Gly446Ser)

Gene: SLC3A1 (solute carrier family 3 member 1; plus strand). Cytogenetic location: 2p21.
Variant type: single nucleotide variant.
Coding change: c.1336G>A on transcript NM_000341.4 (MANE Select); coding-DNA position 1336, G replaced by A.
Protein change: p.Gly446Ser; replaces glycine 446 with serine.
Molecular consequence: missense variant.
Genome position (GRCh38, 1-based): chr2:44,312,589, G>A. VCF-style: chr2-44312589-G-A. GRCh37 (hg19) VCF-style: chr2-44539728-G-A.
Other names: c.1336G>A (NM_000341.3); short protein forms G446S.
Identifiers: ClinVar variation 4526818 (VCV004526818.2).

ClinVar aggregate classification (germline): Uncertain significance. Review status: criteria provided, multiple submitters, no conflicts (2 of 4 stars). 2 submissions from 2 submitters: Uncertain significance (2). Last evaluated 2026-03-18.

Conditions:
SLC3A1-related disorder. Also called: SLC3A1-related condition.
Cystinuria (CSNU). Also called: CYSTINURIA, TYPE I; CYSTINURIA, TYPE II; CYSTINURIA, TYPE III; Cystinuria, non-type I. Identifiers: Orphanet 214, MedGen C0010691, MONDO:0009067, OMIM 220100, HP:0003131.

gnomAD v4.1: 80 of 1,613,682 alleles (0.005%); highest among the groups gnomAD compares: African/African-American, 0.028%; no homozygotes.

Submissions (2):

PreventionGenetics, part of Exact Sciences
Classification: Uncertain significance for SLC3A1-related condition. Last evaluated: 2026-03-18. Review status: criteria provided, single submitter. Criteria: ACMG Guidelines, 2015. Collection method: clinical testing. Allele origin: germline.
Comment: The SLC3A1 c.1336G>A variant is predicted to result in the amino acid substitution p.Gly446Ser. To our knowledge, this variant has not been reported in the literature. This variant is reported in 0.020% of alleles in individuals of African descent in gnomAD. At this time, the clinical significance of this variant is uncertain due to the absence of conclusive functional and genetic evidence.

Rare Kidney Stone Consortium and the Mayo Clinic Hyperoxaluria Center, Mayo Clinic
Classification: Uncertain significance for Cystinuria. Last evaluated: 2025-10-03. Review status: criteria provided, single submitter. Criteria: ACMG Guidelines, 2015. Collection method: research. Allele origin: germline. Observed: 1 variant allele.
Comment: ACMG:PM1, PM2, PP2, PP3

Literature cited by the submitters: PubMed 40794449 (cited by Rare Kidney Stone Consortium and the Mayo Clinic Hyperoxaluria Center, Mayo Clinic).